The following is an entry in ClinVar:

ClinVar aggregate classification (germline): Uncertain significance (1 of 4 stars; one submission).

Conditions:
Mowat-Wilson syndrome (MOWS). Also called: Classic Mowat-Wilson Syndrome. Identifiers: Orphanet 2152, MedGen C1856113, MONDO:0009341, OMIM 235730.

Submission:

Labcorp Genetics (formerly Invitae), Labcorp
Classification: Uncertain significance for Mowat-Wilson syndrome. Last evaluated: 2022-06-13. Review status: criteria provided, single submitter. Criteria: Invitae Variant Classification Sherloc (09022015). Collection method: clinical testing. Allele origin: germline.
Comment: In summary, the available evidence is currently insufficient to determine the role of this variant in disease. Therefore, it has been classified as a Variant of Uncertain Significance. Algorithms developed to predict the effect of missense changes on protein structure and function (SIFT, PolyPhen-2, Align-GVGD) all suggest that this variant is likely to be tolerated. This variant has not been reported in the literature in individuals affected with ZEB2-related conditions. This variant is not present in population databases (gnomAD no frequency). This sequence change replaces glutamic acid, which is acidic and polar, with aspartic acid, which is acidic and polar, at codon 573 of the ZEB2 protein (p.Glu573Asp).

NM_014795.4(ZEB2):c.1719G>T (p.Glu573Asp)

Gene: ZEB2 (zinc finger E-box binding homeobox 2; minus strand). Cytogenetic location: 2q22.3.
Variant type: single nucleotide variant.
Coding change: c.1719G>T on transcript NM_014795.4 (MANE Select); coding-DNA position 1719, G replaced by T.
Protein change: p.Glu573Asp; replaces glutamic acid 573 with aspartic acid.
Molecular consequence: missense variant.
Genome position (GRCh38, 1-based): chr2:144,399,468, C>A on the plus strand (G>T on the coding strand, the complement: ZEB2 is on the minus strand). VCF-style: chr2-144399468-C-A. GRCh37 (hg19) VCF-style: chr2-145157035-C-A.
Other names: c.1647G>T, p.Glu549Asp (NM_001171653.2); short protein forms E549D, E573D.
Identifiers: ClinVar variation 2135258 (VCV002135258.4), dbSNP rs2549106568, ClinGen allele CA348710345.